The following is an entry in ClinVar:

ClinVar aggregate classification (germline): Uncertain significance (1 of 4 stars; one submission).

Conditions:
Inborn genetic diseases. Identifiers: MedGen C0950123, MeSH D030342.

Submission:

Ambry Genetics
Classification: Uncertain significance for Inborn genetic diseases. Last evaluated: 2025-05-25. Review status: criteria provided, single submitter. Criteria: Ambry Variant Classification Scheme 2023. Collection method: clinical testing. Allele origin: germline.
Comment: The p.Y355S variant (also known as c.1064A>C), located in coding exon 5 of the PIK3CA gene, results from an A to C substitution at nucleotide position 1064. The tyrosine at codon 355 is replaced by serine, an amino acid with dissimilar properties. This amino acid position is conserved. In addition, this alteration is predicted to be deleterious by in silico analysis. Based on the available evidence, the clinical significance of this variant remains unclear.

NM_006218.4(PIK3CA):c.1064A>C (p.Tyr355Ser)

Gene: PIK3CA (phosphatidylinositol-4,5-bisphosphate 3-kinase catalytic subunit alpha; plus strand). Cytogenetic location: 3q26.32.
Variant type: single nucleotide variant.
Coding change: c.1064A>C on transcript NM_006218.4 (MANE Select); coding-DNA position 1064, A replaced by C.
Protein change: p.Tyr355Ser; replaces tyrosine 355 with serine.
Molecular consequence: missense variant.
Genome position (GRCh38, 1-based): chr3:179,204,507, A>C. VCF-style: chr3-179204507-A-C. GRCh37 (hg19) VCF-style: chr3-178922295-A-C.
Other names: short protein forms Y355S.
Identifiers: ClinVar variation 3932407 (VCV003932407.1).